The following is an entry in ClinVar:

ClinVar aggregate classification (germline): Uncertain significance (1 of 4 stars; one submission).

Conditions:
Combined immunodeficiency due to DOCK8 deficiency (HIES2). Also called: HYPER-IgE SYNDROME 2, AUTOSOMAL RECESSIVE, WITH RECURRENT INFECTIONS; HIES autosomal recessive; HYPER-IgE RECURRENT INFECTION SYNDROME 2, AUTOSOMAL RECESSIVE; Hyper-IgE recurrent infection syndrome, autosomal recessive; DOCK8 Deficiency. Identifiers: Orphanet 217390, MedGen C4722305, MONDO:0009478, OMIM 243700.

Allele frequency attached by ClinVar (database versions not stated): gnomAD 0.00001; TOPMed 0.00001.
gnomAD v4.1: 1 of 1,613,944 alleles (0.000062%); highest among the groups gnomAD compares: African/African-American, 0.0013%; no homozygotes.

Submission:

Labcorp Genetics (formerly Invitae), Labcorp
Classification: Uncertain significance for Combined immunodeficiency due to DOCK8 deficiency. Last evaluated: 2020-03-06. Review status: criteria provided, single submitter. Criteria: Invitae Variant Classification Sherloc (09022015). Collection method: clinical testing. Allele origin: germline.
Comment: In summary, the available evidence is currently insufficient to determine the role of this variant in disease. Therefore, it has been classified as a Variant of Uncertain Significance. Algorithms developed to predict the effect of missense changes on protein structure and function output the following: SIFT: "Tolerated"; PolyPhen-2: "Benign"; Align-GVGD: "Class C0". The glycine amino acid residue is found in multiple mammalian species, suggesting that this missense change does not adversely affect protein function. These predictions have not been confirmed by published functional studies and their clinical significance is uncertain. This variant has not been reported in the literature in individuals with DOCK8-related disease. This variant is not present in population databases (ExAC no frequency). This sequence change replaces serine with glycine at codon 595 of the DOCK8 protein (p.Ser595Gly). The serine residue is moderately conserved and there is a small physicochemical difference between serine and glycine.

NM_203447.4(DOCK8):c.1783A>G (p.Ser595Gly)

Gene: DOCK8 (dedicator of cytokinesis 8; plus strand). Cytogenetic location: 9p24.3.
Variant type: single nucleotide variant.
Coding change: c.1783A>G on transcript NM_203447.4 (MANE Select); coding-DNA position 1783, A replaced by G.
Protein change: p.Ser595Gly; replaces serine 595 with glycine.
Molecular consequence: missense variant.
Genome position (GRCh38, 1-based): chr9:368,121, A>G. VCF-style: chr9-368121-A-G. GRCh37 (hg19) VCF-style: chr9-368121-A-G.
Other names: c.1579A>G, p.Ser527Gly (NM_001190458.2, NM_001193536.2); short protein forms S595G, S527G.
Identifiers: ClinVar variation 565954 (VCV000565954.12), dbSNP rs974346101, ClinGen allele CA187804717.
Genomic context (GRCh38, chr9:368,121, plus strand): 5'-AAACTAGCATCAGCCCGGAACATTACAATAAAGATCCAGTTTATGTGTGGAGAAGATGCT[A>G]GCAATGCGATGCCGGTAAGGAGGGAAACGAACATTTGCCTCAAATCAGGGTGGGCTGCTC-3'
Protein context (NP_982272.2, residues 585-605): KIQFMCGEDA[Ser595Gly]NAMPVIFGKS